The following is an entry in ClinVar:

ClinVar aggregate classification (germline): Uncertain significance. Review status: criteria provided, multiple submitters, no conflicts (2 of 4 stars). 4 submissions from 4 submitters: Uncertain significance (4). Last evaluated 2024-11-15.

Conditions:
Inborn genetic diseases. Identifiers: MedGen C0950123, MeSH D030342.

Allele frequency attached by ClinVar (database versions not stated): ExAC 0.00002; gnomAD 0.00002; TOPMed 0.00002; gnomAD exomes 0.00003; ESP Exome Variant Server 0.00015.
gnomAD v4.1: 39 of 1,612,248 alleles (0.0024%); highest among the groups gnomAD compares: Non-Finnish European, 0.003%; no homozygotes.

Submissions (4):

Women's Health and Genetics/Laboratory Corporation of America, LabCorp
Classification: Uncertain significance. Last evaluated: 2024-11-15. Review status: criteria provided, single submitter. Criteria: LabCorp Variant Classification Summary - May 2015. Collection method: clinical testing. Allele origin: germline.
Comment: Variant summary: ASNS c.1075G>A (p.Val359Met) results in a conservative amino acid change located in the Asparagine synthase(IPR001962) of the encoded protein sequence. Three of five in-silico tools predict a benign effect of the variant on protein function. The variant allele was found at a frequency of 2.4e-05 in 250946 control chromosomes. The available data on variant occurrences in the general population are insufficient to allow any conclusion about variant significance. c.1075G>A has been reported in the literature in an individual affected with Asparagine Synthetase Deficiency (Song_2024). These report(s) do not provide unequivocal conclusions about association of the variant with Asparagine Synthetase Deficiency. To our knowledge, no experimental evidence demonstrating an impact on protein function has been reported. The following publication have been ascertained in the context of this evaluation (PMID: 38527509). ClinVar contains an entry for this variant (Variation ID: 2201386). Based on the evidence outlined above, the variant was classified as uncertain significance.

Blueprint Genetics
Classification: Uncertain significance. Last evaluated: 2022-08-31. Review status: criteria provided, single submitter. Criteria: ACMG Guidelines, 2015. Collection method: clinical testing. Allele origin: germline.

Labcorp Genetics (formerly Invitae), Labcorp
Classification: Uncertain significance. Last evaluated: 2022-07-05. Review status: criteria provided, single submitter. Criteria: Invitae Variant Classification Sherloc (09022015). Collection method: clinical testing. Allele origin: germline.
Comment: This sequence change replaces valine, which is neutral and non-polar, with methionine, which is neutral and non-polar, at codon 359 of the ASNS protein (p.Val359Met). This variant is present in population databases (rs374069172, gnomAD 0.01%). This variant has not been reported in the literature in individuals affected with ASNS-related conditions. Advanced modeling of protein sequence and biophysical properties (such as structural, functional, and spatial information, amino acid conservation, physicochemical variation, residue mobility, and thermodynamic stability) performed at Invitae indicates that this missense variant is expected to disrupt ASNS protein function. In summary, the available evidence is currently insufficient to determine the role of this variant in disease. Therefore, it has been classified as a Variant of Uncertain Significance.

Ambry Genetics
Classification: Uncertain significance for Inborn genetic diseases. Last evaluated: 2021-08-10. Review status: criteria provided, single submitter. Criteria: Ambry Variant Classification Scheme 2023. Collection method: clinical testing. Allele origin: germline.

Literature cited by the submitters: PubMed 38527509 (cited by Women's Health and Genetics/Laboratory Corporation of America, LabCorp).

NM_001673.5(ASNS):c.1075G>A (p.Val359Met)

Genes: ASNS (asparagine synthetase (glutamine-hydrolyzing); minus strand), CZ1P-ASNS (CZ1P-ASNS readthrough; minus strand). Cytogenetic location: 7q21.3.
Variant type: single nucleotide variant.
Coding change: c.1075G>A on transcript NM_001673.5 (MANE Select); coding-DNA position 1075, G replaced by A.
Protein change: p.Val359Met; replaces valine 359 with methionine.
Molecular consequence: missense variant. On other transcripts: non-coding transcript variant (1).
Genome position (GRCh38, 1-based): chr7:97,855,415, C>T on the plus strand (G>A on the coding strand, the complement: ASNS is on the minus strand). VCF-style: chr7-97855415-C-T. GRCh37 (hg19) VCF-style: chr7-97484727-C-T.
Other names: c.1075G>A (NM_183356.3); c.1012G>A, p.Val338Met (NM_001178075.2); c.826G>A, p.Val276Met (NM_001178076.2, NM_001178077.1); c.1075G>A, p.Val359Met (NM_001352496.2, NM_133436.3, NM_183356.4); short protein forms V359M, V276M, V338M.
Identifiers: ClinVar variation 2201386 (VCV002201386.4), dbSNP rs374069172, ClinGen allele CA4354607.